The following is an entry in ClinVar:

NM_139343.3(BIN1):c.857+1285C>T

Gene: BIN1 (bridging integrator 1; minus strand). Cytogenetic location: 2q14.3.
Variant type: single nucleotide variant.
Coding change: c.857+1285C>T on transcript NM_139343.3 (MANE Select); 1285 bases into the intron after coding-DNA position 857, C replaced by T.
Molecular consequence: intron variant.
Genome position (GRCh38, 1-based): chr2:127,060,830, G>A on the plus strand (C>T on the coding strand, the complement: BIN1 is on the minus strand). VCF-style: chr2-127060830-G-A. GRCh37 (hg19) VCF-style: chr2-127818406-G-A.
Other names: c.776+1285C>T (NM_001320642.1); c.692+1285C>T (NM_001320634.1); c.764+1285C>T (NM_139351.3, NM_139350.3, NM_139349.3 and 3 more transcripts); c.765-190C>T (NM_001320632.2, NM_004305.4, NM_139346.3); c.857+1285C>T (NM_001320633.2, NM_139345.3, NM_139344.3 and 1 more transcripts).
Identifiers: ClinVar variation 678130 (VCV000678130.2), dbSNP rs1108031, ClinGen allele CA11125919.

ClinVar aggregate classification (germline): Benign. Review status: criteria provided, multiple submitters, no conflicts (2 of 4 stars). 2 submissions from 2 submitters: Benign (2). Last evaluated 2018-06-14.

Allele frequency attached by ClinVar (database versions not stated): 1000 Genomes Project 0.31809; gnomAD 0.32039 and 0.33149; TOPMed 0.32598; 1000 Genomes Project 30x 0.32683.
gnomAD v4.1: 48,457 of 152,152 alleles (32%); highest among the groups gnomAD compares: African/African-American, 65%; 11,050 homozygotes.

Submissions (2):

GeneDx
Classification: Benign. Last evaluated: 2018-06-14. Review status: criteria provided, single submitter. Criteria: GeneDx Variant Classification (06012015). Collection method: clinical testing. Allele origin: germline. Affected: yes.
Comment: This variant is considered likely benign or benign based on one or more of the following criteria: it is a conservative change, it occurs at a poorly conserved position in the protein, it is predicted to be benign by multiple in silico algorithms, and/or has population frequency not consistent with disease.

Breakthrough Genomics
Classification: Benign. Review status: criteria provided, single submitter. Criteria: ACMG Guidelines, 2015. Collection method: not provided. Allele origin: germline. Inheritance: Autosomal recessive inheritance. Affected: yes.